The following is an entry in ClinVar:

ClinVar aggregate classification (germline): Uncertain significance (1 of 4 stars; one submission).

Conditions:
Leber congenital amaurosis 1 (LCA1). Also called: AMAUROSIS CONGENITA OF LEBER I; RETINAL BLINDNESS, CONGENITAL; Congenital absence of the rods and cones; Leber's congenital tapetoretinal degeneration; Leber's congenital tapetoretinal dysplasia. Identifiers: Orphanet 65, MedGen C2931258, MONDO:0008764, OMIM 204000.
Cone-rod dystrophy 6 (CORD6). Also called: Cone dystrophy progressive; RETINAL CONE DYSTROPHY 2. Identifiers: Orphanet 1872, MedGen C1866293, MONDO:0011143, OMIM 601777.

Submission:

Labcorp Genetics (formerly Invitae), Labcorp
Classification: Uncertain significance for Leber congenital amaurosis 1; Cone-rod dystrophy 6. Last evaluated: 2021-06-26. Review status: criteria provided, single submitter. Criteria: Invitae Variant Classification Sherloc (09022015). Collection method: clinical testing. Allele origin: germline.
Comment: This variant is not present in population databases (ExAC no frequency). This sequence change replaces alanine with serine at codon 174 of the GUCY2D protein (p.Ala174Ser). The alanine residue is moderately conserved and there is a moderate physicochemical difference between alanine and serine. In summary, the available evidence is currently insufficient to determine the role of this variant in disease. Therefore, it has been classified as a Variant of Uncertain Significance. Algorithms developed to predict the effect of missense changes on protein structure and function are either unavailable or do not agree on the potential impact of this missense change (SIFT: "Deleterious"; PolyPhen-2: "Benign"; Align-GVGD: "Class C0"). This variant has not been reported in the literature in individuals affected with GUCY2D-related conditions.

NM_000180.4(GUCY2D):c.520G>T (p.Ala174Ser)

Gene: GUCY2D (guanylate cyclase 2D, retinal; plus strand). Cytogenetic location: 17p13.1.
Variant type: single nucleotide variant.
Coding change: c.520G>T on transcript NM_000180.4 (MANE Select); coding-DNA position 520, G replaced by T.
Protein change: p.Ala174Ser; replaces alanine 174 with serine.
Molecular consequence: missense variant.
Genome position (GRCh38, 1-based): chr17:8,003,567, G>T. VCF-style: chr17-8003567-G-T. GRCh37 (hg19) VCF-style: chr17-7906885-G-T.
Other names: short protein forms A174S.
Identifiers: ClinVar variation 1467727 (VCV001467727.8), dbSNP rs978982123, ClinGen allele CA397943993.
Genomic context (GRCh38, chr17:8,003,567, plus strand): 5'-TGGACGCAGGCGGAGGGCACCACGGCCCCTGCCGTGACCCCCGCCGCGGATGCCCTCTAC[G>T]CCCTGCTTCGCGCATTCGGCTGGGCGCGCGTGGCCCTGGTCACCGCCCCCCAGGACCTGT-3'
Protein context (NP_000171.1, residues 164-184): AVTPAADALY[Ala174Ser]LLRAFGWARV